The following is an entry in ClinVar:

ClinVar aggregate classification (germline): Pathogenic (1 of 4 stars; one submission).

Submission:

Labcorp Genetics (formerly Invitae), Labcorp
Classification: Pathogenic. Last evaluated: 2023-02-22. Review status: criteria provided, single submitter. Criteria: Invitae Variant Classification Sherloc (09022015). Collection method: clinical testing. Allele origin: germline.
Comment: For these reasons, this variant has been classified as Pathogenic. This variant disrupts a region of the CCDC88C protein in which other variant(s) (p.Glu1949Glyfs*26) have been determined to be pathogenic (PMID: 23042809). This suggests that this is a clinically significant region of the protein, and that variants that disrupt it are likely to be disease-causing. This variant has not been reported in the literature in individuals affected with CCDC88C-related conditions. This variant is not present in population databases (gnomAD no frequency). This sequence change creates a premature translational stop signal (p.Met1669Argfs*29) in the CCDC88C gene. While this is not anticipated to result in nonsense mediated decay, it is expected to disrupt the last 360 amino acid(s) of the CCDC88C protein.

Literature cited by the submitters: PubMed 23042809.

NM_001080414.4(CCDC88C):c.5004_5005dup (p.Met1669fs)

Gene: CCDC88C (coiled-coil and HOOK domain protein 88C; minus strand). Cytogenetic location: 14q32.11.
Variant type: Microsatellite.
Coding change: c.5004_5005dup on transcript NM_001080414.4 (MANE Select); coding-DNA positions 5004 to 5005, 2 bases duplicated (GA; older notation c.5004_5005dupGA).
Protein change: p.Met1669fs; shifts the reading frame from methionine 1669.
Molecular consequence: frameshift variant.
Genome position (GRCh38, 1-based): chr14:91,277,975-91,277,976, TC duplicated on the plus strand (GA on the coding strand, the reverse complement: CCDC88C is on the minus strand); duplicating any 2 consecutive bases within chr14:91,277,975-91,277,978 gives the same sequence; the c. name uses the placement nearest the transcript's 3' end. VCF-style (leftmost placement, unchanged base first): chr14-91277974-A-ATC. GRCh37 (hg19) VCF-style: chr14-91744318-A-ATC.
Other names: short protein forms M1669fs.
Identifiers: ClinVar variation 2839835 (VCV002839835.3), dbSNP rs2544252553, ClinGen allele CA2739278574.